The following is an entry in ClinVar:

ClinVar aggregate classification (germline): Uncertain significance (1 of 4 stars; one submission).

Conditions:
Hereditary cancer-predisposing syndrome. Also called: Neoplastic Syndromes, Hereditary; Hereditary Cancer Syndrome; Hereditary neoplastic syndrome; Tumor predisposition. Identifiers: Orphanet 140162, MedGen C0027672, MeSH D009386, MONDO:0015356.

Submission:

Ambry Genetics
Classification: Uncertain significance for Hereditary cancer-predisposing syndrome. Last evaluated: 2023-05-07. Review status: criteria provided, single submitter. Criteria: Ambry Variant Classification Scheme 2023. Collection method: clinical testing. Allele origin: germline.
Comment: The p.F127L variant (also known as c.381T>G), located in coding exon 4 of the FANCC gene, results from a T to G substitution at nucleotide position 381. The phenylalanine at codon 127 is replaced by leucine, an amino acid with highly similar properties. This amino acid position is conserved. In addition, this alteration is predicted to be tolerated by in silico analysis. Since supporting evidence is limited at this time, the clinical significance of this alteration remains unclear.

NM_000136.3(FANCC):c.381T>G (p.Phe127Leu)

Gene: FANCC (FA complementation group C; minus strand). Cytogenetic location: 9q22.32.
Variant type: single nucleotide variant.
Coding change: c.381T>G on transcript NM_000136.3 (MANE Select); coding-DNA position 381, T replaced by G.
Protein change: p.Phe127Leu; replaces phenylalanine 127 with leucine.
Molecular consequence: missense variant.
Genome position (GRCh38, 1-based): chr9:95,172,112, A>C on the plus strand (T>G on the coding strand, the complement: FANCC is on the minus strand). VCF-style: chr9-95172112-A-C. GRCh37 (hg19) VCF-style: chr9-97934394-A-C.
Other names: c.381T>G, p.Phe127Leu (NM_001243743.2, NM_001243744.2); short protein forms F127L.
Identifiers: ClinVar variation 2562117 (VCV002562117.2), dbSNP rs2541951085, ClinGen allele CA374338850.
Genomic context (GRCh38, chr9:95,172,112, plus strand): 5'-AGGATAGTAATCTATAGGTGCATACCCAAGACCTTGAGTGAAAAGAGCAACTTCTTTATC[A>C]AATCTGAGTGCTGAAAGTATATGAGATAATACACCCTAAAAAACATAAACAGAAAAAGTT-3'
Protein context (NP_000127.2, residues 117-137): VLSHILSALR[Phe127Leu]DKEVALFTQG